The following is an entry in ClinVar:

NM_005430.4(WNT1):c.422G>C (p.Arg141Pro)

Gene: WNT1 (Wnt family member 1; plus strand). Cytogenetic location: 12q13.12.
Variant type: single nucleotide variant.
Coding change: c.422G>C on transcript NM_005430.4 (MANE Select); coding-DNA position 422, G replaced by C.
Protein change: p.Arg141Pro; replaces arginine 141 with proline.
Molecular consequence: missense variant.
Genome position (GRCh38, 1-based): chr12:48,980,487, G>C. VCF-style: chr12-48980487-G-C. GRCh37 (hg19) VCF-style: chr12-49374270-G-C.
Other names: short protein forms R141P.
Identifiers: ClinVar variation 2754063 (VCV002754063.3), dbSNP rs1468031278, ClinGen allele CA384630953.

ClinVar aggregate classification (germline): Uncertain significance (1 of 4 stars; one submission).

Allele frequency attached by ClinVar (database versions not stated): gnomAD exomes below 0.00001.
gnomAD v4.1: 1 of 1,614,188 alleles (0.000062%); highest among the groups gnomAD compares: East Asian, 0.0022%; no homozygotes.

Submission:

Labcorp Genetics (formerly Invitae), Labcorp
Classification: Uncertain significance. Last evaluated: 2025-06-10. Review status: criteria provided, single submitter. Criteria: Invitae Variant Classification Sherloc (09022015). Collection method: clinical testing. Allele origin: germline.
Comment: This sequence change replaces arginine, which is basic and polar, with proline, which is neutral and non-polar, at codon 141 of the WNT1 protein (p.Arg141Pro). This variant is present in population databases (no rsID available, gnomAD 0.006%). This variant has not been reported in the literature in individuals affected with WNT1-related conditions. ClinVar contains an entry for this variant (Variation ID: 2754063). Invitae Evidence Modeling of protein sequence and biophysical properties (such as structural, functional, and spatial information, amino acid conservation, physicochemical variation, residue mobility, and thermodynamic stability) indicates that this missense variant is expected to disrupt WNT1 protein function with a positive predictive value of 80%. In summary, the available evidence is currently insufficient to determine the role of this variant in disease. Therefore, it has been classified as a Variant of Uncertain Significance.